The following is an entry in ClinVar:

ClinVar aggregate classification (germline): Uncertain significance. Review status: criteria provided, multiple submitters, no conflicts (2 of 4 stars). 2 submissions from 2 submitters: Uncertain significance (2). Last evaluated 2025-09-09.

Allele frequency attached by ClinVar (database versions not stated): gnomAD 0.00006; ExAC 0.00009; TOPMed 0.00014; 1000 Genomes Project 30x 0.00016; 1000 Genomes Project 0.00040.
gnomAD v4.1: 290 of 1,551,510 alleles (0.019%); highest among the groups gnomAD compares: Admixed American, 0.055%; no homozygotes.

Submissions (2):

Ambry Genetics
Classification: Uncertain significance. Last evaluated: 2025-09-09. Review status: criteria provided, single submitter. Criteria: Ambry Variant Classification Scheme 2023. Collection method: clinical testing. Allele origin: germline.

Labcorp Genetics (formerly Invitae), Labcorp
Classification: Uncertain significance. Last evaluated: 2022-10-17. Review status: criteria provided, single submitter. Criteria: Invitae Variant Classification Sherloc (09022015). Collection method: clinical testing. Allele origin: germline.
Comment: This sequence change replaces valine, which is neutral and non-polar, with phenylalanine, which is neutral and non-polar, at codon 284 of the KPNA7 protein (p.Val284Phe). This variant is present in population databases (rs528934094, gnomAD 0.05%). This variant has not been reported in the literature in individuals affected with KPNA7-related conditions. ClinVar contains an entry for this variant (Variation ID: 645146). Advanced modeling of protein sequence and biophysical properties (such as structural, functional, and spatial information, amino acid conservation, physicochemical variation, residue mobility, and thermodynamic stability) performed at Invitae indicates that this missense variant is not expected to disrupt KPNA7 protein function. In summary, the available evidence is currently insufficient to determine the role of this variant in disease. Therefore, it has been classified as a Variant of Uncertain Significance.

NM_001145715.3(KPNA7):c.850G>T (p.Val284Phe)

Gene: KPNA7 (karyopherin subunit alpha 7; minus strand). Cytogenetic location: 7q22.1.
Variant type: single nucleotide variant.
Coding change: c.850G>T on transcript NM_001145715.3 (MANE Select); coding-DNA position 850, G replaced by T.
Protein change: p.Val284Phe; replaces valine 284 with phenylalanine.
Molecular consequence: missense variant.
Genome position (GRCh38, 1-based): chr7:99,188,350, C>A on the plus strand (G>T on the coding strand, the complement: KPNA7 is on the minus strand). VCF-style: chr7-99188350-C-A. GRCh37 (hg19) VCF-style: chr7-98785973-C-A.
Other names: short protein forms V284F.
Identifiers: ClinVar variation 645146 (VCV000645146.8), dbSNP rs528934094, ClinGen allele CA4363180.